The following is an entry in ClinVar:

NM_032447.5(FBN3):c.8165G>A (p.Arg2722His)

Gene: FBN3 (fibrillin 3; minus strand). Cytogenetic location: 19p13.2.
Variant type: single nucleotide variant.
Coding change: c.8165G>A on transcript NM_032447.5 (MANE Select); coding-DNA position 8165, G replaced by A.
Protein change: p.Arg2722His; replaces arginine 2722 with histidine.
Molecular consequence: missense variant.
Genome position (GRCh38, 1-based): chr19:8,066,184, C>T on the plus strand (G>A on the coding strand, the complement: FBN3 is on the minus strand). VCF-style: chr19-8066184-C-T. GRCh37 (hg19) VCF-style: chr19-8131068-C-T.
Other names: c.8165G>A, p.Arg2722His (NM_001321431.2); short protein forms R2722H.
Identifiers: ClinVar variation 3615435 (VCV003615435.2).

ClinVar aggregate classification (germline): Uncertain significance (1 of 4 stars; one submission).

gnomAD v4.1: 18 of 1,611,722 alleles (0.0011%); highest among the groups gnomAD compares: South Asian, 0.011%; no homozygotes.

Submission:

Labcorp Genetics (formerly Invitae), Labcorp
Classification: Uncertain significance. Last evaluated: 2024-06-13. Review status: criteria provided, single submitter. Criteria: Invitae Variant Classification Sherloc (09022015). Collection method: clinical testing. Allele origin: germline.
Comment: This sequence change replaces arginine, which is basic and polar, with histidine, which is basic and polar, at codon 2722 of the FBN3 protein (p.Arg2722His). This variant is present in population databases (rs545168335, gnomAD 0.01%). This variant has not been reported in the literature in individuals affected with FBN3-related conditions. Algorithms developed to predict the effect of missense changes on protein structure and function output the following: SIFT: "Not Available"; PolyPhen-2: "Benign"; Align-GVGD: "Not Available". The histidine amino acid residue is found in multiple mammalian species, which suggests that this missense change does not adversely affect protein function. In summary, the available evidence is currently insufficient to determine the role of this variant in disease. Therefore, it has been classified as a Variant of Uncertain Significance.